The following is an entry in ClinVar:

NM_015488.5(PNKD):c.490A>G (p.Thr164Ala)

Genes: CATIP-AS2 (CATIP antisense RNA 2; minus strand), PNKD (PNKD metallo-beta-lactamase domain containing; plus strand). Cytogenetic location: 2q35.
Variant type: single nucleotide variant.
Coding change: c.490A>G on transcript NM_015488.5 (MANE Select); coding-DNA position 490, A replaced by G.
Protein change: p.Thr164Ala; replaces threonine 164 with alanine.
Molecular consequence: missense variant.
Genome position (GRCh38, 1-based): chr2:218,340,752, A>G. VCF-style: chr2-218340752-A-G. GRCh37 (hg19) VCF-style: chr2-219205475-A-G.
Other names: c.418A>G, p.Thr140Ala (NM_022572.5); short protein forms T140A, T164A.
Identifiers: ClinVar variation 1329493 (VCV001329493.3), dbSNP rs2106294008, ClinGen allele CA350539948.
Genomic context (GRCh38, chr2:218,340,752, plus strand): 5'-CTGCTCCCCAGTCTCCAAACCTCCTCTCTCTCGCAGGCTTCCATTGAAAAGGAAGGGGTC[A>G]CCTTGGTCGCCATTCTGTGTACTCACAAGCACTGGTAAGGGGCTCCCGTCTTCCCTGGCC-3'
Protein context (NP_056303.3, residues 154-174): VQASIEKEGV[Thr164Ala]LVAILCTHKH

ClinVar aggregate classification (germline): Uncertain significance (1 of 4 stars; one submission).

Conditions:
Paroxysmal nonkinesigenic dyskinesia 1 (PNKD1). Also called: DYSTONIA 8; Familial Paroxysmal Nonkinesigenic Dyskinesia; Nonkinesigenic choreoathetosis; Familial paroxysmal choreoathetosis; PxMD-PNKD; MOUNT-REBACK SYNDROME. Identifiers: Orphanet 98810, MedGen C4551506, MONDO:0700089, OMIM 118800, MONDO:0007326.

Submission:

Diagnostics Services (NGS), CSIR - Centre For Cellular And Molecular Biology
Classification: Uncertain significance for Paroxysmal nonkinesigenic dyskinesia 1. Last evaluated: 2021-11-25. Review status: criteria provided, single submitter. Criteria: ACMG Guidelines, 2015. Collection method: clinical testing. Allele origin: unknown. Inheritance: Autosomal dominant inheritance. Affected: yes. Observed: 1 variant allele, 1 heterozygote.
Comment: The c.490A>G variant is not present in publicly available population databases like 1000 Genomes, Exome Variant Server (EVS), Exome Aggregation Consortium (ExAC) and Genome Aggregation Database (gnomAD). The variant is not present in Indian Exome Database and in our in-house exome database. The variant was not earlier was reported to ClinVar, Human Genome Mutation Database (HGMD) and/or OMIM databases in any affected individuals. In-silico pathogenicity prediction programs like SIFT, PolyPhen-2, MutationTaster2, CADD, etc. predicted this variant to be not likely deleterious however these predictions have not been confirmed by any published functional studies.